The following is an entry in ClinVar:

NM_001349206.2(LPIN1):c.2768C>T (p.Ser923Phe)

Gene: LPIN1 (lipin 1; plus strand). Cytogenetic location: 2p25.1.
Variant type: single nucleotide variant.
Coding change: c.2768C>T on transcript NM_001349206.2 (MANE Select); coding-DNA position 2768, C replaced by T.
Protein change: p.Ser923Phe; replaces serine 923 with phenylalanine.
Molecular consequence: missense variant. On other transcripts: non-coding transcript variant (1).
Genome position (GRCh38, 1-based): chr2:11,824,778, C>T. VCF-style: chr2-11824778-C-T. GRCh37 (hg19) VCF-style: chr2-11964904-C-T.
Other names: c.2678C>T, p.Ser893Phe (NM_001261427.3); c.2915C>T, p.Ser972Phe (NM_001261428.3); c.2660C>T, p.Ser887Phe (NM_001349199.2, NM_145693.4); c.2738C>T, p.Ser913Phe (NM_001349200.2, NM_001349201.2); c.2765C>T, p.Ser922Phe (NM_001349202.2, NM_001349203.2); c.2768C>T, p.Ser923Phe (NM_001349204.2, NM_001349205.2); c.2858C>T, p.Ser953Phe (NM_001349207.2); c.2807C>T, p.Ser936Phe (NM_001349208.2); short protein forms S887F, S913F, S936F, S923F, S972F, S893F, S922F, S953F.
Identifiers: ClinVar variation 2085188 (VCV002085188.2), dbSNP rs372150324, ClinGen allele CA1534192.

ClinVar aggregate classification (germline): Uncertain significance (1 of 4 stars; one submission).

Allele frequency attached by ClinVar (database versions not stated): gnomAD exomes 0.00004; ExAC 0.00013; ESP Exome Variant Server 0.00015; gnomAD 0.00039; 1000 Genomes Project 0.00040; 1000 Genomes Project 30x 0.00047.
gnomAD v4.1: 115 of 1,614,220 alleles (0.0071%); highest among the groups gnomAD compares: African/African-American, 0.14%; no homozygotes.

Submission:

Labcorp Genetics (formerly Invitae), Labcorp
Classification: Uncertain significance. Last evaluated: 2023-10-03. Review status: criteria provided, single submitter. Criteria: Invitae Variant Classification Sherloc (09022015). Collection method: clinical testing. Allele origin: germline.
Comment: This sequence change replaces serine, which is neutral and polar, with phenylalanine, which is neutral and non-polar, at codon 887 of the LPIN1 protein (p.Ser887Phe). This variant is present in population databases (rs372150324, gnomAD 0.2%). This variant has not been reported in the literature in individuals affected with LPIN1-related conditions. ClinVar contains an entry for this variant (Variation ID: 2085188). An algorithm developed to predict the effect of missense changes on protein structure and function (PolyPhen-2) suggests that this variant is likely to be disruptive. In summary, the available evidence is currently insufficient to determine the role of this variant in disease. Therefore, it has been classified as a Variant of Uncertain Significance.